The following is an entry in ClinVar:

NM_001267550.2(TTN):c.45202GAG[1] (p.Glu15069del)

Genes: TTN (titin; minus strand), LOC126806427 (BRD4-independent group 4 enhancer GRCh37_chr2:179485777-179486976; plus strand). Cytogenetic location: 2q31.2.
Variant type: Microsatellite.
Coding change: c.45202GAG[1] on transcript NM_001267550.2 (MANE Select); one copy of the 3-base unit GAG starting at c.45202; the reference has two copies in a row; one copy, 3 bases deleted.
Protein change: p.Glu15069del; deletes glutamic acid 15069.
Molecular consequence: inframe deletion.
Genome position (GRCh38, 1-based): chr2:178,621,617-178,621,619, CTC deleted on the plus strand (GAG on the coding strand, the reverse complement: TTN is on the minus strand); deleting any 3 consecutive bases within chr2:178,621,617-178,621,622 gives the same sequence; the position shown is the placement nearest the transcript's 3' end. VCF-style (leftmost placement, unchanged base first): chr2-178621616-TCTC-T. GRCh37 (hg19) VCF-style: chr2-179486343-TCTC-T.
Other names: c.40279GAG[1], p.Glu13428del (NM_001256850.1); c.18007GAG[1], p.Glu6004del (NM_003319.4); c.37498GAG[1], p.Glu12501del (NM_133378.4); c.18382GAG[1], p.Glu6129del (NM_133432.3); c.18583GAG[1], p.Glu6196del (NM_133437.4); c.40282_40284delGAG (NM_001256850.1); short protein forms E13428del, E15069del, E6004del, E12501del, E6196del, E6129del.
Identifiers: ClinVar variation 202640 (VCV000202640.1), dbSNP rs794729435, ClinGen allele CA309838.

ClinVar aggregate classification (germline): not provided (0 of 4 stars; one submission).

Submission:

GeneDx
No classification provided. Last evaluated: 2014-08-21. Review status: no classification provided. Criteria: GeneDx Variant Classification (06012015). Collection method: clinical testing. Allele origin: germline. Affected: yes.
Comment: Missense variants in the TTN gene are considered 'unclassified' if they are not previously reported in the literature and do not have >1% frequency in the population to be considered a polymorphism. Research indicates that truncating mutations in the TTN gene are expected to account for approximately 25% of familial and 18% of sporadic idiopathic DCM; however, truncating variants in the TTN gene have been reported in approximately 3% of reported control alleles. There has been little investigation into non-truncating variants. (Herman D et al. Truncations of titin causing dilated cardiomyopathy. N Eng J Med 366:619-628, 2012) The variant is found in DCM-CRDM panel(s).